The following is an entry in ClinVar:

ClinVar aggregate classification (germline): Pathogenic (1 of 4 stars; one submission).

Conditions:
Xeroderma pigmentosum, group C (XPC). Also called: XPC-Related Xeroderma Pigmentosum; Xeroderma pigmentosum, complementation group C; XERODERMA PIGMENTOSUM III; XP, GROUP C. Identifiers: Orphanet 910, MedGen C2752147, MONDO:0010211, OMIM 278720.

Submission:

Medical Molecular Genetics Department, National Research Center
Classification: Pathogenic for Xeroderma pigmentosum, group C. Last evaluated: 2025-01-01. Review status: criteria provided, single submitter. Criteria: ACMG Guidelines, 2015. Collection method: research. Allele origin: germline. Affected: yes. Observed: 1 variant allele.
Comment: The XPC(NM_004628.5):c.925_926delCT, p.(Leu309Alafs*65) variant is a frameshift variant resulting in a premature termination codon, predicted to cause a truncation of the encoded protein or absence of the protein due to nonsense mediated decay in a gene where loss-of-function is a known disease mechanism (PVS1). This variant is absent from large population cohorts (gnomAD; PM2). In summary, this variant meets criteria to be classified as pathogenic for xeroderma pigmentosum based on the ACMG criteria: PVS1, PM2, PP1 and PP4.

NM_004628.5(XPC):c.925_926del (p.Leu309fs)

Gene: XPC (XPC complex subunit, DNA damage recognition and repair factor; minus strand). Cytogenetic location: 3p25.1.
Variant type: Microsatellite.
Coding change: c.925_926del on transcript NM_004628.5 (MANE Select); coding-DNA positions 925 to 926, 2 bases deleted (CT; older notation c.925_926delCT).
Protein change: p.Leu309fs; shifts the reading frame from leucine 309.
Molecular consequence: frameshift variant. On other transcripts: non-coding transcript variant (2).
Genome position (GRCh38, 1-based): chr3:14,159,805-14,159,806, AG deleted on the plus strand (CT on the coding strand, the reverse complement: XPC is on the minus strand); deleting any 2 consecutive bases within chr3:14,159,805-14,159,808 gives the same sequence; the c. name uses the placement nearest the transcript's 3' end. VCF-style (leftmost placement, unchanged base first): chr3-14159804-CAG-C. GRCh37 (hg19) VCF-style: chr3-14201304-CAG-C.
Other names: c.346_347del, p.Leu116fs (NM_001354726.2); c.925_926del, p.Leu309fs (NM_001354727.2, NM_001354730.2); c.907_908del, p.Leu303fs (NM_001354729.2); c.925_926delCT (NM_004628.5); short protein forms L116fs, L303fs, L309fs.
Identifiers: ClinVar variation 4813849 (VCV004813849.1).